The following is an entry in ClinVar:

NM_177438.3(DICER1):c.4051-6C>T

Gene: DICER1 (dicer 1, ribonuclease III; minus strand). Cytogenetic location: 14q32.13.
Variant type: single nucleotide variant.
Coding change: c.4051-6C>T on transcript NM_177438.3 (MANE Select); 6 bases into the intron before coding-DNA position 4051, C replaced by T.
Molecular consequence: intron variant.
Genome position (GRCh38, 1-based): chr14:95,099,941, G>A on the plus strand (C>T on the coding strand, the complement: DICER1 is on the minus strand). VCF-style: chr14-95099941-G-A. GRCh37 (hg19) VCF-style: chr14-95566278-G-A.
Other names: c.4051-6C>T (NM_001291628.2, NM_030621.4, NM_001271282.3 and 1 more transcripts).
Identifiers: ClinVar variation 766159 (VCV000766159.11), dbSNP rs1595354040, ClinGen allele CA915946368.
Genomic context (GRCh38, chr14:95,099,941, plus strand): 5'-TGCGGCTGGGTAGTCCCTTCTTTTTTCCAAGGCGATACAGATTACAGTTGCTGACCTTTA[G>A]CAGAAAATATTAGGATACTTATCCATAAATGATCACTGCTGGAATTCATTCAAGGCATAT-3'

ClinVar aggregate classification (germline): Conflicting classifications of pathogenicity. Review status: criteria provided, conflicting classifications (1 of 4 stars). 2 submissions from 2 submitters: Uncertain significance (1); Likely benign (1). Last evaluated 2025-10-17.

Conditions:
DICER1-related tumor predisposition. Also called: DICER1-related pleuropulmonary blastoma cancer predisposition syndrome; DICER1 syndrome. Identifiers: Orphanet 284343, MedGen C3839822, MONDO:0100216.

Submissions (2):

Quest Diagnostics Nichols Institute San Juan Capistrano
Classification: Uncertain significance. Last evaluated: 2025-10-17. Review status: criteria provided, single submitter. Criteria: Quest Diagnostics criteria. Collection method: clinical testing. Allele origin: unknown.
Comment: The DICER1 c.4051-6C>T variant has not been reported in individuals with DICER1-related conditions in the published literature. This variant has not been reported in large, multi-ethnic general populations (Genome Aggregation Database). Analysis of this variant using software algorithms for the prediction of the effect of nucleotide changes on splicing yielded predictions that this variant does not affect DICER1 mRNA splicing. Based on the available information, we are unable to determine the clinical significance of this variant.

Labcorp Genetics (formerly Invitae), Labcorp
Classification: Likely benign for DICER1-related tumor predisposition. Last evaluated: 2023-05-10. Review status: criteria provided, single submitter. Criteria: Invitae Variant Classification Sherloc (09022015). Collection method: clinical testing. Allele origin: germline.